The following is an entry in ClinVar:

NM_015041.3(CLUAP1):c.978T>G (p.Ser326Arg)

Gene: CLUAP1 (clusterin associated protein 1; plus strand). Cytogenetic location: 16p13.3.
Variant type: single nucleotide variant.
Coding change: c.978T>G on transcript NM_015041.3 (MANE Select); coding-DNA position 978, T replaced by G.
Protein change: p.Ser326Arg; replaces serine 326 with arginine.
Molecular consequence: missense variant.
Genome position (GRCh38, 1-based): chr16:3,530,617, T>G. VCF-style: chr16-3530617-T-G. GRCh37 (hg19) VCF-style: chr16-3580617-T-G.
Other names: c.978T>G, p.Ser326Arg (NM_001330454.2); c.480T>G, p.Ser160Arg (NM_024793.3); short protein forms S326R, S160R.
Identifiers: ClinVar variation 1042370 (VCV001042370.8), dbSNP rs2038095510, ClinGen allele CA394515555.

ClinVar aggregate classification (germline): Uncertain significance (1 of 4 stars; one submission).

Submission:

Labcorp Genetics (formerly Invitae), Labcorp
Classification: Uncertain significance. Last evaluated: 2020-08-29. Review status: criteria provided, single submitter. Criteria: Invitae Variant Classification Sherloc (09022015). Collection method: clinical testing. Allele origin: germline.
Comment: In summary, the available evidence is currently insufficient to determine the role of this variant in disease. Therefore, it has been classified as a Variant of Uncertain Significance. Algorithms developed to predict the effect of missense changes on protein structure and function are either unavailable or do not agree on the potential impact of this missense change (SIFT: "Tolerated"; PolyPhen-2: "Probably Damaging"; Align-GVGD: "Class C0"). This variant has not been reported in the literature in individuals with CLUAP1-related conditions. This variant is not present in population databases (ExAC no frequency). This sequence change replaces serine with arginine at codon 326 of the CLUAP1 protein (p.Ser326Arg). The serine residue is moderately conserved and there is a moderate physicochemical difference between serine and arginine.